The following is an entry in ClinVar:

NM_000059.4(BRCA2):c.210T>C (p.Ser70=)

Gene: BRCA2 (BRCA2 DNA repair associated; plus strand). Cytogenetic location: 13q13.1.
Variant type: single nucleotide variant.
Coding change: c.210T>C on transcript NM_000059.4 (MANE Select); coding-DNA position 210, T replaced by C.
Protein change: p.Ser70=; no amino-acid change (serine 70 retained).
Molecular consequence: synonymous variant.
Genome position (GRCh38, 1-based): chr13:32,319,219, T>C. VCF-style: chr13-32319219-T-C. GRCh37 (hg19) VCF-style: chr13-32893356-T-C.
Identifiers: ClinVar variation 427525 (VCV000427525.16), dbSNP rs751417001, ClinGen allele CA6940331.

ClinVar aggregate classification (germline): Likely benign. Review status: reviewed by expert panel (3 of 4 stars). 3 submissions from 3 submitters: Likely benign (1). 2 of the submissions do not count toward it. Last evaluated 2017-06-29.

Conditions:
Breast-ovarian cancer, familial, susceptibility to, 2 (BROVCA2). Also called: BRCA2 Hereditary Breast and Ovarian Cancer. Identifiers: Orphanet 145, MedGen C2675520, MONDO:0012933, OMIM 612555. Disease mechanism: loss of function.
Hereditary cancer-predisposing syndrome. Also called: Hereditary neoplastic syndrome; Tumor predisposition; Neoplastic Syndromes, Hereditary; Hereditary Cancer Syndrome. Identifiers: Orphanet 140162, MedGen C0027672, MeSH D009386, MONDO:0015356.
Hereditary breast ovarian cancer syndrome. Also called: BRCA1- and BRCA2-Associated Hereditary Breast and Ovarian Cancer; Hereditary breast and/or ovarian cancer syndrome; Hereditary breast and ovarian cancer; Hereditary breast and ovarian cancer syndrome; Hereditary breast and ovarian cancer syndrome (HBOC); Breast and ovarian cancer. Identifiers: Orphanet 145, MedGen C0677776, MeSH D061325, MONDO:0003582. Disease mechanism: loss of function.

Allele frequency attached by ClinVar (database versions not stated): gnomAD exomes below 0.00001; ExAC 0.00001.
gnomAD v4.1: 1 of 1,613,894 alleles (0.000062%); highest among the groups gnomAD compares: Non-Finnish European, 0.000085%; no homozygotes.

Submissions (3):

Evidence-based Network for the Interpretation of Germline Mutant Alleles (ENIGMA)
Classification: Likely benign for Breast-ovarian cancer, familial, susceptibility to, 2. Last evaluated: 2017-06-29. Review status: reviewed by expert panel. Criteria: ENIGMA BRCA1/2 Classification Criteria (2017-06-29). Collection method: curation. Allele origin: germline.
Comment: Synonymous substitution variant, with low bioinformatic likelihood to result in a splicing aberration (Splicing prior probability 0.02).

Labcorp Genetics (formerly Invitae), Labcorp
Classification: Likely benign for Hereditary breast ovarian cancer syndrome. Last evaluated: 2024-04-15. Review status: criteria provided, single submitter. Criteria: Invitae Variant Classification Sherloc (09022015). Collection method: clinical testing. Allele origin: germline. Not counted in ClinVar's aggregate classification.

Ambry Genetics
Classification: Likely benign for Hereditary cancer-predisposing syndrome. Last evaluated: 2021-03-04. Review status: criteria provided, single submitter. Criteria: Ambry Variant Classification Scheme 2023. Collection method: clinical testing. Allele origin: germline. Not counted in ClinVar's aggregate classification.